The following is an entry in ClinVar:

NM_004425.4(ECM1):c.512G>A (p.Arg171Gln)

Gene: ECM1 (extracellular matrix protein 1; plus strand). Cytogenetic location: 1q21.2.
Variant type: single nucleotide variant.
Coding change: c.512G>A on transcript NM_004425.4 (MANE Select); coding-DNA position 512, G replaced by A.
Protein change: p.Arg171Gln; replaces arginine 171 with glutamine.
Molecular consequence: missense variant.
Genome position (GRCh38, 1-based): chr1:150,511,002, G>A. VCF-style: chr1-150511002-G-A. GRCh37 (hg19) VCF-style: chr1-150483478-G-A.
Other names: c.593G>A, p.Arg198Gln (NM_001202858.2); c.512G>A, p.Arg171Gln (NM_022664.3); short protein forms R171Q, R198Q.
Identifiers: ClinVar variation 2225407 (VCV002225407.2), dbSNP rs374399587, ClinGen allele CA1077463.

ClinVar aggregate classification (germline): Uncertain significance (1 of 4 stars; one submission).

Conditions:
Inborn genetic diseases. Identifiers: MedGen C0950123, MeSH D030342.

Allele frequency attached by ClinVar (database versions not stated): ESP Exome Variant Server 0.00008.
gnomAD v4.1: 118 of 1,614,040 alleles (0.0073%); highest among the groups gnomAD compares: Middle Eastern, 0.016%; no homozygotes.

Submission:

Ambry Genetics
Classification: Uncertain significance for Inborn genetic diseases. Last evaluated: 2021-12-06. Review status: criteria provided, single submitter. Criteria: Ambry Variant Classification Scheme 2023. Collection method: clinical testing. Allele origin: germline.
Comment: The c.512G>A (p.R171Q) alteration is located in exon 6 (coding exon 6) of the ECM1 gene. This alteration results from a G to A substitution at nucleotide position 512, causing the arginine (R) at amino acid position 171 to be replaced by a glutamine (Q). The p.R171Q alteration is predicted to be tolerated by in silico analysis. Based on insufficient or conflicting evidence, the clinical significance of this alteration remains unclear.